The following is an entry in ClinVar:

NM_144997.7(FLCN):c.1679C>A (p.Thr560Asn)

Gene: FLCN (folliculin; minus strand). Cytogenetic location: 17p11.2.
Variant type: single nucleotide variant.
Coding change: c.1679C>A on transcript NM_144997.7 (MANE Select); coding-DNA position 1679, C replaced by A.
Protein change: p.Thr560Asn; replaces threonine 560 with asparagine.
Molecular consequence: missense variant.
Genome position (GRCh38, 1-based): chr17:17,213,716, G>T on the plus strand (C>A on the coding strand, the complement: FLCN is on the minus strand). VCF-style: chr17-17213716-G-T. GRCh37 (hg19) VCF-style: chr17-17117030-G-T.
Other names: c.1733C>A, p.Thr578Asn (NM_001353229.2); c.1679C>A, p.Thr560Asn (NM_001353230.2, NM_001353231.2); short protein forms T560N, T578N.
Identifiers: ClinVar variation 3644540 (VCV003644540.2).

ClinVar aggregate classification (germline): Uncertain significance (1 of 4 stars; one submission).

Conditions:
Birt-Hogg-Dube syndrome. Also called: Birt Hogg Dubé syndrome. Identifiers: Orphanet 122, MedGen C0346010, MONDO:0800444.

Submission:

Labcorp Genetics (formerly Invitae), Labcorp
Classification: Uncertain significance for Birt-Hogg-Dube syndrome. Last evaluated: 2024-03-05. Review status: criteria provided, single submitter. Criteria: Invitae Variant Classification Sherloc (09022015). Collection method: clinical testing. Allele origin: germline.
Comment: This sequence change replaces threonine, which is neutral and polar, with asparagine, which is neutral and polar, at codon 560 of the FLCN protein (p.Thr560Asn). This variant is not present in population databases (gnomAD no frequency). This variant has not been reported in the literature in individuals affected with FLCN-related conditions. Advanced modeling of protein sequence and biophysical properties (such as structural, functional, and spatial information, amino acid conservation, physicochemical variation, residue mobility, and thermodynamic stability) performed at Invitae indicates that this missense variant is not expected to disrupt FLCN protein function with a negative predictive value of 80%. In summary, the available evidence is currently insufficient to determine the role of this variant in disease. Therefore, it has been classified as a Variant of Uncertain Significance.